The following is an entry in ClinVar:

NM_138281.3(DLX4):c.328C>T (p.Pro110Ser)

Gene: DLX4 (distal-less homeobox 4; plus strand). Cytogenetic location: 17q21.33.
Variant type: single nucleotide variant.
Coding change: c.328C>T on transcript NM_138281.3 (MANE Select); coding-DNA position 328, C replaced by T.
Protein change: p.Pro110Ser; replaces proline 110 with serine.
Molecular consequence: missense variant.
Genome position (GRCh38, 1-based): chr17:49,973,117, C>T. VCF-style: chr17-49973117-C-T. GRCh37 (hg19) VCF-style: chr17-48050481-C-T.
Other names: c.112C>T, p.Pro38Ser (NM_001934.4); short protein forms P110S, P38S.
Identifiers: ClinVar variation 3355733 (VCV003355733.1).

ClinVar aggregate classification (germline): Uncertain significance (0 of 4 stars; one submission).

Conditions:
DLX4-related disorder. Also called: DLX4-related condition.

Submission:

PreventionGenetics, part of Exact Sciences
Classification: Uncertain significance for DLX4-related condition. Last evaluated: 2024-04-05. Review status: no assertion criteria provided. Collection method: clinical testing. Allele origin: germline.
Comment: The DLX4 c.328C>T variant is predicted to result in the amino acid substitution p.Pro110Ser. To our knowledge, this variant has not been reported in the literature. This variant is reported in 0.0029% of alleles in individuals of Latino descent in gnomAD. At this time, the clinical significance of this variant is uncertain due to the absence of conclusive functional and genetic evidence.